The following is an entry in ClinVar:

ClinVar aggregate classification (germline): Pathogenic (1 of 4 stars; one submission).

Submission:

Labcorp Genetics (formerly Invitae), Labcorp
Classification: Pathogenic. Last evaluated: 2022-10-14. Review status: criteria provided, single submitter. Criteria: Invitae Variant Classification Sherloc (09022015). Collection method: clinical testing. Allele origin: unknown.
Comment: A similar copy number variant has been observed in individual(s) with pseudoxanthoma elasticum (PMID: 17823974). For these reasons, this variant has been classified as Pathogenic. This variant is a gross deletion of the genomic region encompassing exon(s) 21 of the ABCC6 gene. This deletion is out-of-frame, and is expected to create a premature termination codon and result in an absent or disrupted protein product. Loss-of-function variants in ABCC6 are known to be pathogenic (PMID: 11536079, 17617515).

Literature cited by the submitters: PubMed 17823974; PubMed 11536079; PubMed 17617515.

NC_000016.9:g.(?_16267121)_(16267281_?)del

Gene: ABCC6 (ATP binding cassette subfamily C member 6; minus strand). Cytogenetic location: 16p13.11.
Variant type: Deletion.
Identifiers: ClinVar variation 3243618 (VCV003243618.1).